The following is an entry in ClinVar:

NM_001375524.1(TRRAP):c.10477G>A (p.Glu3493Lys)

Gene: TRRAP (transformation/transcription domain associated protein; plus strand). Cytogenetic location: 7q22.1.
Variant type: single nucleotide variant.
Coding change: c.10477G>A on transcript NM_001375524.1 (MANE Select); coding-DNA position 10477, G replaced by A.
Protein change: p.Glu3493Lys; replaces glutamic acid 3493 with lysine.
Molecular consequence: missense variant.
Genome position (GRCh38, 1-based): chr7:99,004,357, G>A. VCF-style: chr7-99004357-G-A. GRCh37 (hg19) VCF-style: chr7-98601980-G-A.
Other names: c.10435G>A, p.Glu3479Lys (NM_001244580.2); c.10348G>A, p.Glu3450Lys (NM_003496.4); short protein forms E3493K, E3450K, E3479K.
Identifiers: ClinVar variation 4746011 (VCV004746011.1).

ClinVar aggregate classification (germline): Uncertain significance (1 of 4 stars; one submission).

Submission:

Labcorp Genetics (formerly Invitae), Labcorp
Classification: Uncertain significance. Last evaluated: 2025-12-19. Review status: criteria provided, single submitter. Criteria: Invitae Variant Classification Sherloc (09022015). Collection method: clinical testing. Allele origin: germline.
Comment: This sequence change replaces glutamic acid, which is acidic and polar, with lysine, which is basic and polar, at codon 3450 of the TRRAP protein (p.Glu3450Lys). This variant is not present in population databases (gnomAD no frequency). This variant has not been reported in the literature in individuals affected with TRRAP-related conditions. Invitae Evidence Modeling of protein sequence and biophysical properties (such as structural, functional, and spatial information, amino acid conservation, physicochemical variation, residue mobility, and thermodynamic stability) indicates that this missense variant is expected to disrupt TRRAP protein function with a positive predictive value of 80%. In summary, the available evidence is currently insufficient to determine the role of this variant in disease. Therefore, it has been classified as a Variant of Uncertain Significance.